The following is an entry in ClinVar:

ClinVar aggregate classification (germline): Likely benign. Review status: criteria provided, single submitter (1 of 4 stars). 2 submissions from 2 submitters: Likely benign (1). 1 of the submissions does not count toward it. Last evaluated 2025-09-01.

Conditions:
KDM2B-related disorder. Also called: KDM2B-related condition.

Allele frequency attached by ClinVar (database versions not stated): ExAC 0.00070; gnomAD 0.00206; TOPMed 0.00228; 1000 Genomes Project 0.00240; ESP Exome Variant Server 0.00259; 1000 Genomes Project 30x 0.00281.
gnomAD v4.1: 565 of 1,612,008 alleles (0.035%); highest among the groups gnomAD compares: African/African-American, 0.67%; 5 homozygotes.

Submissions (2):

CeGaT Center for Human Genetics Tuebingen
Classification: Likely benign. Last evaluated: 2025-09-01. Review status: criteria provided, single submitter. Criteria: CeGaT Center For Human Genetics Tuebingen Variant Classification Criteria Version 2. Collection method: clinical testing. Allele origin: germline. Affected: yes. Observed: 1 variant allele.
Comment: KDM2B: BP4, BP7

PreventionGenetics, part of Exact Sciences
Classification: Benign for KDM2B-related condition. Last evaluated: 2019-08-09. Review status: no assertion criteria provided. Collection method: clinical testing. Allele origin: germline. Not counted in ClinVar's aggregate classification.
Comment: This variant is classified as benign based on ACMG/AMP sequence variant interpretation guidelines (Richards et al. 2015 PMID: 25741868, with internal and published modifications).

NM_032590.5(KDM2B):c.3591G>A (p.Pro1197=)

Gene: KDM2B (lysine demethylase 2B; minus strand). Cytogenetic location: 12q24.31.
Variant type: single nucleotide variant.
Coding change: c.3591G>A on transcript NM_032590.5 (MANE Select); coding-DNA position 3591, G replaced by A.
Protein change: p.Pro1197=; no amino-acid change (proline 1197 retained).
Molecular consequence: synonymous variant.
Genome position (GRCh38, 1-based): chr12:121,440,835, C>T on the plus strand (G>A on the coding strand, the complement: KDM2B is on the minus strand). VCF-style: chr12-121440835-C-T. GRCh37 (hg19) VCF-style: chr12-121878638-C-T.
Other names: c.3384G>A, p.Pro1128= (NM_001005366.2).
Identifiers: ClinVar variation 3034878 (VCV003034878.9), dbSNP rs141490235, ClinGen allele CA6836188.